The following is an entry in ClinVar:

ClinVar aggregate classification (germline): Uncertain significance (1 of 4 stars; one submission).

Conditions:
Malignant hyperthermia, susceptibility to, 5 (MHS5). Also called: CACNA1S-Related Malignant Hyperthermia Susceptibility. Identifiers: Orphanet 423, MedGen C1866077, MONDO:0011163, OMIM 601887.

gnomAD v4.1: 1 of 1,614,152 alleles (0.000062%); highest among the groups gnomAD compares: Non-Finnish European, 0.000085%; no homozygotes.

Submission:

All of Us Research Program, National Institutes of Health
Classification: Uncertain significance for Malignant hyperthermia, susceptibility to, 5. Last evaluated: 2024-04-16. Review status: criteria provided, single submitter. Criteria: ACMG Guidelines, 2015. Collection method: clinical testing. Allele origin: germline. Inheritance: Autosomal dominant inheritance. Observed: 1 variant allele, 1 heterozygote.
Comment: This missense variant replaces leucine with phenylalanine at codon 1505 of the CACNA1S protein. Computational prediction suggests that this variant may not impact protein structure and function (internally defined REVEL score threshold <= 0.5, PMID: 27666373). To our knowledge, functional studies have not been reported for this variant. This variant has not been reported in individuals affected with CACNA1S-related disorders in the literature. This variant has not been identified in the general population by the Genome Aggregation Database (gnomAD). The available evidence is insufficient to determine the role of this variant in disease conclusively. Therefore, this variant is classified as a Variant of Uncertain Significance.

This study involves interpretation of variants in research participants for the purpose of population health screening. Participant phenotype was not available at the time of variant classification. Additional details can be found in publication PMID: 35346344, PMCID: PMC8962531

NM_000069.3(CACNA1S):c.4513C>T (p.Leu1505Phe)

Gene: CACNA1S (calcium voltage-gated channel subunit alpha1 S; minus strand). Cytogenetic location: 1q32.1.
Variant type: single nucleotide variant.
Coding change: c.4513C>T on transcript NM_000069.3 (MANE Select); coding-DNA position 4513, C replaced by T.
Protein change: p.Leu1505Phe; replaces leucine 1505 with phenylalanine.
Molecular consequence: missense variant.
Genome position (GRCh38, 1-based): chr1:201,047,555, G>A on the plus strand (C>T on the coding strand, the complement: CACNA1S is on the minus strand). VCF-style: chr1-201047555-G-A. GRCh37 (hg19) VCF-style: chr1-201016683-G-A.
Other names: short protein forms L1505F.
Identifiers: ClinVar variation 3386298 (VCV003386298.1).